The following is an entry in ClinVar:

NM_000548.5(TSC2):c.4983C>T (p.Thr1661=)

Gene: TSC2 (TSC complex subunit 2; plus strand). Cytogenetic location: 16p13.3.
Variant type: single nucleotide variant.
Coding change: c.4983C>T on transcript NM_000548.5 (MANE Select); coding-DNA position 4983, C replaced by T.
Protein change: p.Thr1661=; no amino-acid change (threonine 1661 retained).
Molecular consequence: synonymous variant.
Genome position (GRCh38, 1-based): chr16:2,086,865, C>T. VCF-style: chr16-2086865-C-T. GRCh37 (hg19) VCF-style: chr16-2136866-C-T.
Other names: p.T1661T:ACC>ACT; p.Thr1661=; c.4983C>T (NM_000548.4); c.4782C>T, p.Thr1594= (NM_001077183.3); c.4914C>T, p.Thr1638= (NM_001114382.3); c.4674C>T, p.Thr1558= (NM_001318827.2); c.4638C>T, p.Thr1546= (NM_001318829.2); c.4251C>T, p.Thr1417= (NM_001318831.2); and 4 more.
Identifiers: ClinVar variation 49467 (VCV000049467.53), dbSNP rs35534817, ClinGen allele CA021437.

ClinVar aggregate classification (germline): Benign. Review status: criteria provided, multiple submitters, no conflicts (2 of 4 stars). 23 submissions from 23 submitters: Benign (18). 5 of the submissions do not count toward it. Last evaluated 2026-02-04.

Conditions:
Lymphangiomyomatosis (LAM). Also called: Lymphangioleiomyomatosis; Lymphangioleiomyomatosis, somatic. Identifiers: Orphanet 538, MedGen C0751674, MONDO:0011705, OMIM 606690.
Tuberous sclerosis 2 (TSC2). Identifiers: Orphanet 805, MedGen C1860707, MONDO:0013199, OMIM 613254.
Isolated focal cortical dysplasia type II (FCORD2). Also called: CORTICAL DYSPLASIA OF TAYLOR; Focal cortical dysplasia type II. Identifiers: Orphanet 268994, MedGen C1846385, MONDO:0011818, OMIM 607341, HP:0032051.
Hereditary cancer-predisposing syndrome. Also called: Neoplastic Syndromes, Hereditary; Tumor predisposition; Hereditary Cancer Syndrome; Hereditary neoplastic syndrome. Identifiers: Orphanet 140162, MedGen C0027672, MeSH D009386, MONDO:0015356.
Tuberous sclerosis syndrome (TSC). Also called: Tuberous Sclerosis Complex; Tuberous sclerosis. Identifiers: Orphanet 805, MedGen C0041341, MONDO:0001734.

Allele frequency attached by ClinVar (database versions not stated): gnomAD exomes 0.00211 and 0.00543; ExAC 0.01034; gnomAD 0.02105 and 0.02253; TOPMed 0.02301; ESP Exome Variant Server 0.02316; 1000 Genomes Project 0.02716; 1000 Genomes Project 30x 0.02842.
gnomAD v4.1: 6,408 of 1,589,816 alleles (0.4%); highest among the groups gnomAD compares: African/African-American, 7.2%; 225 homozygotes.

Submissions (23):

Labcorp Genetics (formerly Invitae), Labcorp
Classification: Benign for Tuberous sclerosis 2. Last evaluated: 2026-02-04. Review status: criteria provided, single submitter. Criteria: Invitae Variant Classification Sherloc (09022015). Collection method: clinical testing. Allele origin: germline.

Myriad Genetics, Inc.
Classification: Benign for Tuberous sclerosis 2. Last evaluated: 2025-06-05. Review status: criteria provided, single submitter. Criteria: Myriad Autosomal Dominant, Autosomal Recessive and X-Linked Classification Criteria (2023). Collection method: clinical testing. Allele origin: unknown.
Comment: This variant is considered benign. This variant is a silent/synonymous amino acid change and it is not expected to impact splicing.

ARUP Laboratories, Molecular Genetics and Genomics, ARUP Laboratories
Classification: Benign. Last evaluated: 2025-05-06. Review status: criteria provided, single submitter. Criteria: ARUP Molecular Germline Variant Investigation Process 2024. Collection method: clinical testing. Allele origin: germline.

All of Us Research Program, National Institutes of Health
Classification: Benign for Tuberous sclerosis syndrome. Last evaluated: 2024-02-05. Review status: criteria provided, single submitter. Criteria: ACMG Guidelines, 2015. Collection method: clinical testing. Allele origin: germline. Inheritance: Autosomal dominant inheritance. Observed: 1,211 variant alleles, 1,182 heterozygotes, 29 homozygotes.
Comment: This study involves interpretation of variants in research participants for the purpose of population health screening. Participant phenotype was not available at the time of variant classification. Additional details can be found in publication PMID: 35346344, PMCID: PMC8962531

KCCC/NGS Laboratory, Kuwait Cancer Control Center
Classification: Benign for Tuberous sclerosis 2. Last evaluated: 2023-07-07. Review status: criteria provided, single submitter. Criteria: ACMG Guidelines, 2015. Collection method: clinical testing. Allele origin: germline. Affected: yes.

Mayo Clinic Laboratories, Mayo Clinic
Classification: Benign. Last evaluated: 2022-11-26. Review status: criteria provided, single submitter. Criteria: ACMG Guidelines, 2015. Collection method: clinical testing. Allele origin: germline. Observed: 23 variant alleles.

Color Diagnostics, LLC DBA Color Health
Classification: Benign for Tuberous sclerosis syndrome. Last evaluated: 2022-09-20. Review status: criteria provided, single submitter. Criteria: ACMG Guidelines, 2015. Collection method: clinical testing. Allele origin: germline.

Department of Pathology and Laboratory Medicine, Sinai Health System
Classification: Benign for Lymphangiomyomatosis; Isolated focal cortical dysplasia type II; Tuberous sclerosis 2. Last evaluated: 2022-06-23. Review status: criteria provided, single submitter. Criteria: ACMG Guidelines, 2015. Collection method: clinical testing. Allele origin: germline. Affected: yes.

Quest Diagnostics Nichols Institute San Juan Capistrano
Classification: Benign. Last evaluated: 2021-11-09. Review status: criteria provided, single submitter. Criteria: Quest Diagnostics criteria. Collection method: clinical testing. Allele origin: unknown.

Genome-Nilou Lab
Classification: Benign for Tuberous sclerosis 2. Last evaluated: 2021-11-07. Review status: criteria provided, single submitter. Criteria: ACMG Guidelines, 2015. Collection method: clinical testing. Allele origin: germline. Affected: no.

Illumina Laboratory Services, Illumina
Classification: Benign for Tuberous sclerosis syndrome. Last evaluated: 2018-01-13. Review status: criteria provided, single submitter. Criteria: ICSL Variant Classification Criteria 13 December 2019. Collection method: clinical testing. Allele origin: germline.
Comment: This variant was observed in the ICSL laboratory as part of a predisposition screen in an ostensibly healthy population. It had not been previously curated by ICSL or reported in the Human Gene Mutation Database (HGMD: prior to June 1st, 2018), and was therefore a candidate for classification through an automated scoring system. Utilizing variant allele frequency, disease prevalence and penetrance estimates, and inheritance mode, an automated score was calculated to assess if this variant is too frequent to cause the disease. Based on the score and internal cut-off values, a variant classified as benign is not then subjected to further curation. The score for this variant resulted in a classification of benign for this disease.

Athena Diagnostics
Classification: Benign for Tuberous sclerosis 2. Last evaluated: 2017-05-25. Review status: criteria provided, single submitter. Criteria: Athena Diagnostics Criteria. Collection method: clinical testing. Allele origin: germline.

Women's Health and Genetics/Laboratory Corporation of America, LabCorp
Classification: Benign. Last evaluated: 2016-08-23. Review status: criteria provided, single submitter. Criteria: LabCorp Variant Classification Summary - May 2015. Collection method: clinical testing. Allele origin: germline.
Comment: Variant summary: The TSC2 c.4983C>T (p.Thr1661Thr) variant involves the alteration of a non-conserved nucleotide, resulting in a synonymous change. One in silico tool predicts a damaging outcome for this variant. 4/5 splice prediction tools predict no significant impact on normal splicing. However, these predictions have yet to be confirmed by functional studies. This variant was found in 533/51540 control chromosomes (14 homozygotes), predominantly observed in the African subpopulation at a frequency of 0.0957862 (491/5126). This frequency is about 1393 times the estimated maximal expected allele frequency of a pathogenic TSC2 variant (0.0000688), indicating this is a benign polymorphism found primarily in the populations of African origin. In addition, multiple clinical diagnostic laboratories/reputable databases classified this variant as benign. Taken together, this variant is classified as benign.

Ambry Genetics
Classification: Benign for Hereditary cancer-predisposing syndrome. Last evaluated: 2014-12-10. Review status: criteria provided, single submitter. Criteria: Ambry Variant Classification Scheme 2023. Collection method: clinical testing. Allele origin: germline.

Laboratory for Molecular Medicine, Mass General Brigham Personalized Medicine
Classification: Benign. Last evaluated: 2013-02-21. Review status: criteria provided, single submitter. Criteria: LMM Criteria. Collection method: clinical testing. Allele origin: germline. Observed: 1 variant allele.
Comment: Thr1661Thr in exon 38 of TSC2: This variant is not expected to have clinical sig nificance because it does not alter an amino acid residue and is not located wit hin the splice consensus sequence. It has been identified in 6.8% (297/4378) of African American chromosomes from a broad population by the NHLBI Exome Sequenci ng Project (dbSNP rs35534817).

GeneDx
Classification: Benign. Last evaluated: 2012-03-02. Review status: criteria provided, single submitter. Criteria: GeneDx Variant Classification (06012015). Collection method: clinical testing. Allele origin: germline. Affected: yes.
Comment: This variant is considered likely benign or benign based on one or more of the following criteria: it is a conservative change, it occurs at a poorly conserved position in the protein, it is predicted to be benign by multiple in silico algorithms, and/or has population frequency not consistent with disease.

Breakthrough Genomics
Classification: Benign. Review status: criteria provided, single submitter. Criteria: ACMG Guidelines, 2015. Collection method: not provided. Allele origin: germline. Inheritance: Autosomal dominant inheritance. Affected: yes.

PreventionGenetics, part of Exact Sciences
Classification: Benign. Review status: criteria provided, single submitter. Criteria: ACMG Guidelines, 2015. Collection method: clinical testing. Allele origin: germline.

Clinical Genetics DNA and cytogenetics Diagnostics Lab, Erasmus MC, Erasmus Medical Center
Classification: Benign. Review status: no assertion criteria provided. Collection method: clinical testing. Allele origin: germline. Affected: yes. Study: VKGL Data-share Consensus. Not counted in ClinVar's aggregate classification.

Clinical Genetics, Academic Medical Center
Classification: Benign. Review status: no assertion criteria provided. Collection method: clinical testing. Allele origin: germline. Affected: yes. Study: VKGL Data-share Consensus. Not counted in ClinVar's aggregate classification.

Genetic Services Laboratory, University of Chicago
Classification: Likely benign for AllHighlyPenetrant. Review status: no assertion criteria provided. Collection method: clinical testing. Allele origin: germline. Inheritance: Autosomal dominant inheritance. Not counted in ClinVar's aggregate classification.
Comment: Likely benign based on allele frequency in 1000 Genomes Project or ESP global frequency and its presence in a patient with a rare or unrelated disease phenotype. NOT Sanger confirmed.

Genome Diagnostics Laboratory, Amsterdam University Medical Center
Classification: Benign. Review status: no assertion criteria provided. Collection method: clinical testing. Allele origin: germline. Affected: yes. Study: VKGL Data-share Consensus. Not counted in ClinVar's aggregate classification.

Tuberous sclerosis database (TSC2)
No classification provided. Condition: TSC. Review status: no classification provided. Criteria: Tuberous Sclerosis Database Assertion Criteria 2015. Collection method: curation. Allele origin: germline. Affected: yes. Not counted in ClinVar's aggregate classification.